The following is an entry in ClinVar:

ClinVar aggregate classification (germline): Likely pathogenic. Review status: criteria provided, single submitter (1 of 4 stars). 2 submissions from 2 submitters: Likely pathogenic (1). 1 of the submissions does not count toward it. Last evaluated 2026-04-15.

Conditions:
Niemann-Pick disease, type C1. Also called: NIEMANN-PICK DISEASE, VARIANT TYPE C1; NEUROVISCERAL STORAGE DISEASE WITH VERTICAL SUPRANUCLEAR OPHTHALMOPLEGIA; NIEMANN-PICK DISEASE WITH CHOLESTEROL ESTERIFICATION BLOCK; NIEMANN-PICK DISEASE WITHOUT SPHINGOMYELINASE DEFICIENCY; NIEMANN-PICK DISEASE, CHRONIC NEURONOPATHIC FORM. Identifiers: Orphanet 646, MedGen C3179455, MONDO:0009757, OMIM 257220.
NPC1-related disorder. Also called: NPC1-related condition.

Submissions (2):

PreventionGenetics, part of Exact Sciences
Classification: Likely pathogenic for NPC1-related condition. Last evaluated: 2026-04-15. Review status: criteria provided, single submitter. Criteria: ACMG Guidelines, 2015. Collection method: clinical testing. Allele origin: germline.
Comment: The NPC1 c.3535_3538delinsTTT variant is predicted to result in a frameshift and premature protein termination (p.Met1179Phefs*63). To our knowledge, this variant has not been reported in the literature or in a large population database (gnomAD), indicating this variant is rare. Frameshift variants in NPC1 are expected to be pathogenic. This variant is interpreted as likely pathogenic.

Counsyl
Classification: Likely pathogenic for Niemann-Pick disease, type C1. Last evaluated: 2018-04-02. Review status: no assertion criteria provided. Collection method: clinical testing. Allele origin: unknown. Not counted in ClinVar's aggregate classification.

NM_000271.5(NPC1):c.3535_3538delinsTTT (p.Met1179fs)

Gene: NPC1 (NPC intracellular cholesterol transporter 1; minus strand). Cytogenetic location: 18q11.2.
Variant type: Indel.
Coding change: c.3535_3538delinsTTT on transcript NM_000271.5 (MANE Select); coding-DNA positions 3535 to 3538, ATGA replaced by TTT.
Protein change: p.Met1179fs; shifts the reading frame from methionine 1179.
Molecular consequence: frameshift variant.
Genome position (GRCh38, 1-based): chr18:23,534,499-23,534,502, TCAT replaced by AAA on the plus strand (ATGA replaced by TTT on the coding strand, the reverse complement: NPC1 is on the minus strand). VCF-style: chr18-23534499-TCAT-AAA. GRCh37 (hg19) VCF-style: chr18-21114463-TCAT-AAA.
Other names: c.3535_3538delinsTTT (NM_000271.4); c.3535_3538delATGAinsTTT (NM_000271.4); short protein forms M1179fs.
Identifiers: ClinVar variation 557570 (VCV000557570.3), dbSNP rs1555631957, ClinGen allele CA658824812.